The following is an entry in ClinVar:

NM_001042492.3(NF1):c.1431del (p.Phe477fs)

Gene: NF1 (neurofibromin 1; plus strand). Cytogenetic location: 17q11.2.
Variant type: Deletion.
Coding change: c.1431del on transcript NM_001042492.3 (MANE Select); coding-DNA position 1431, one base deleted (T; older notation c.1431delT).
Protein change: p.Phe477fs; shifts the reading frame from phenylalanine 477.
Molecular consequence: frameshift variant.
Genome position (GRCh38, 1-based): chr17:31,214,489, T deleted; the last of 3 consecutive T bases (chr17:31,214,487-31,214,489); deleting any one gives the same sequence. VCF-style (leftmost placement, unchanged base first): chr17-31214486-AT-A. GRCh37 (hg19) VCF-style: chr17-29541504-AT-A.
Other names: c.1431del, p.Phe477fs (NM_000267.4, NM_001128147.3); short protein forms F477fs.
Identifiers: ClinVar variation 4085256 (VCV004085256.8).

ClinVar aggregate classification (germline): Pathogenic (1 of 4 stars; one submission).

Submission:

CeGaT Center for Human Genetics Tuebingen
Classification: Pathogenic. Last evaluated: 2025-07-01. Review status: criteria provided, single submitter. Criteria: CeGaT Center For Human Genetics Tuebingen Variant Classification Criteria Version 2. Collection method: clinical testing. Allele origin: germline. Affected: yes. Observed: 1 variant allele.
Comment: NF1: PVS1, PM2, PS4:Supporting